The following is an entry in ClinVar:

NM_001288705.3(CSF1R):c.2253G>A (p.Glu751=)

Gene: CSF1R (colony stimulating factor 1 receptor; minus strand). Cytogenetic location: 5q32.
Variant type: single nucleotide variant.
Coding change: c.2253G>A on transcript NM_001288705.3 (MANE Select); coding-DNA position 2253, G replaced by A.
Protein change: p.Glu751=; no amino-acid change (glutamic acid 751 retained).
Molecular consequence: synonymous variant. On other transcripts: non-coding transcript variant (2).
Genome position (GRCh38, 1-based): chr5:150,057,353, C>T on the plus strand (G>A on the coding strand, the complement: CSF1R is on the minus strand). VCF-style: chr5-150057353-C-T. GRCh37 (hg19) VCF-style: chr5-149436916-C-T.
Other names: c.2253G>A, p.Glu751= (NM_001349736.2, NM_001375320.1, NM_005211.4); c.1809G>A, p.Glu603= (NM_001375321.1); c.2253G>A (NM_005211.3).
Identifiers: ClinVar variation 1592193 (VCV001592193.10), dbSNP rs376651450, ClinGen allele CA3506487.

ClinVar aggregate classification (germline): Likely benign. Review status: criteria provided, multiple submitters, no conflicts (2 of 4 stars). 3 submissions from 3 submitters: Likely benign (2). 1 of the submissions does not count toward it. Last evaluated 2025-12-10.

Conditions:
CSF1R-related disorder. Also called: CSF1R-related condition. Identifiers: MedGen CN379780, MONDO:0100632.

Allele frequency attached by ClinVar (database versions not stated): gnomAD 0.00003 and 0.00009; ESP Exome Variant Server 0.00008; gnomAD exomes 0.00008; ExAC 0.00009; TOPMed 0.00015.
gnomAD v4.1: 126 of 1,613,974 alleles (0.0078%); highest among the groups gnomAD compares: South Asian, 0.036%; 1 homozygote.

Submissions (3):

Labcorp Genetics (formerly Invitae), Labcorp
Classification: Likely benign. Last evaluated: 2025-12-10. Review status: criteria provided, single submitter. Criteria: Invitae Variant Classification Sherloc (09022015). Collection method: clinical testing. Allele origin: germline.

Blueprint Genetics
Classification: Likely benign. Last evaluated: 2024-10-02. Review status: criteria provided, single submitter. Criteria: ACMG Guidelines, 2015. Collection method: clinical testing. Allele origin: germline.

PreventionGenetics, part of Exact Sciences
Classification: Likely benign for CSF1R-related condition. Last evaluated: 2024-06-12. Review status: no assertion criteria provided. Collection method: clinical testing. Allele origin: germline. Not counted in ClinVar's aggregate classification.
Comment: This variant is classified as likely benign based on ACMG/AMP sequence variant interpretation guidelines (Richards et al. 2015 PMID: 25741868, with internal and published modifications).